The following is an entry in ClinVar:

NM_000380.4(XPA):c.283G>A (p.Gly95Arg)

Gene: XPA (XPA, DNA damage recognition and repair factor; minus strand). Cytogenetic location: 9q22.33.
Variant type: single nucleotide variant.
Coding change: c.283G>A on transcript NM_000380.4 (MANE Select); coding-DNA position 283, G replaced by A.
Protein change: p.Gly95Arg; replaces glycine 95 with arginine.
Molecular consequence: missense variant. On other transcripts: non-coding transcript variant (5).
Genome position (GRCh38, 1-based): chr9:97,693,649, C>T on the plus strand (G>A on the coding strand, the complement: XPA is on the minus strand). VCF-style: chr9-97693649-C-T. GRCh37 (hg19) VCF-style: chr9-100455931-C-T.
Other names: c.157G>A, p.Gly53Arg (NM_001354975.2); short protein forms G95R, G53R.
Identifiers: ClinVar variation 2735305 (VCV002735305.5), dbSNP rs2490237534, ClinGen allele CA374187933.

ClinVar aggregate classification (germline): Pathogenic/Likely pathogenic. Review status: criteria provided, multiple submitters, no conflicts (2 of 4 stars). 3 submissions from 3 submitters: Pathogenic (2); Likely pathogenic (1). Last evaluated 2024-11-07.

Conditions:
Xeroderma pigmentosum (XP). Identifiers: Orphanet 910, MedGen C0043346, MONDO:0019600.
Xeroderma pigmentosum group A (XPA). Also called: XPA-Related Xeroderma Pigmentosum; Xeroderma pigmentosum, complementation group A; XP, group A. Identifiers: Orphanet 910, MedGen C0268135, MONDO:0010210, OMIM 278700.

Allele frequency attached by ClinVar (database versions not stated): gnomAD exomes 0.00001.
gnomAD v4.1: 4 of 1,613,230 alleles (0.00025%); highest among the groups gnomAD compares: Non-Finnish European, 0.000085%; no homozygotes.

Submissions (3):

Women's Health and Genetics/Laboratory Corporation of America, LabCorp
Classification: Likely pathogenic for Xeroderma pigmentosum. Last evaluated: 2024-11-07. Review status: criteria provided, single submitter. Criteria: LabCorp Variant Classification Summary - May 2015. Collection method: clinical testing. Allele origin: germline.
Comment: Variant summary: XPA c.283G>A (p.Gly95Arg) results in a non-conservative amino acid change in the encoded protein sequence. Three of five in-silico tools predict a damaging effect of the variant on protein function. The variant was absent in 251044 control chromosomes. c.283G>A has been reported in the literature in at-least two individuals affected with Xeroderma Pigmentosum (examples, Anttinen_2008, Zhou_2017) . These data indicate that the variant may be associated with disease. At least one publication reports experimental evidence evaluating an impact on protein function. The most pronounced variant effect results in about 14% of recovering RNA synthesis following UV irradiation in fibroblasts (Anttinen_2008). The following publications have been ascertained in the context of this evaluation (PMID: 18567921, 27607234). ClinVar contains an entry for this variant (Variation ID: 2735305). Based on the evidence outlined above, the variant was classified as likely pathogenic.

Baylor Genetics
Classification: Pathogenic for Xeroderma pigmentosum group A. Last evaluated: 2024-03-20. Review status: criteria provided, single submitter. Criteria: ACMG Guidelines, 2015. Collection method: clinical testing. Allele origin: unknown.

Labcorp Genetics (formerly Invitae), Labcorp
Classification: Pathogenic. Last evaluated: 2023-12-23. Review status: criteria provided, single submitter. Criteria: Invitae Variant Classification Sherloc (09022015). Collection method: clinical testing. Allele origin: germline.
Comment: This sequence change replaces glycine, which is neutral and non-polar, with arginine, which is basic and polar, at codon 95 of the XPA protein (p.Gly95Arg). This variant also falls at the last nucleotide of exon 2, which is part of the consensus splice site for this exon. This variant is not present in population databases (gnomAD no frequency). This missense change has been observed in individual(s) with xeroderma pigmentosum (PMID: 18567921, 27607234). In at least one individual the data is consistent with being in trans (on the opposite chromosome) from a pathogenic variant. An algorithm developed to predict the effect of missense changes on protein structure and function (PolyPhen-2) suggests that this variant is likely to be tolerated. Variants that disrupt the consensus splice site are a relatively common cause of aberrant splicing (PMID: 17576681, 9536098). Algorithms developed to predict the effect of sequence changes on RNA splicing suggest that this variant may disrupt the consensus splice site. For these reasons, this variant has been classified as Pathogenic.

Literature cited by the submitters: PubMed 27607234 (cited by Women's Health and Genetics/Laboratory Corporation of America, LabCorp and Labcorp Genetics (formerly Invitae), Labcorp); PubMed 18567921 (cited by Women's Health and Genetics/Laboratory Corporation of America, LabCorp and Labcorp Genetics (formerly Invitae), Labcorp); PubMed 17576681 (cited by Labcorp Genetics (formerly Invitae), Labcorp); PubMed 9536098 (cited by Labcorp Genetics (formerly Invitae), Labcorp).